The following is an entry in ClinVar:

NM_001378454.1(ALMS1):c.5821dup (p.Tyr1941fs)

Gene: ALMS1 (ALMS1 centrosome and basal body associated protein; plus strand). Cytogenetic location: 2p13.1.
Variant type: Duplication.
Coding change: c.5821dup on transcript NM_001378454.1 (MANE Select); coding-DNA position 5821, one base duplicated (T; older notation c.5821dupT).
Protein change: p.Tyr1941fs; shifts the reading frame from tyrosine 1941.
Molecular consequence: frameshift variant.
Genome position (GRCh38, 1-based): chr2:73,452,348, T duplicated. VCF-style (leftmost placement, unchanged base first): chr2-73452347-C-CT. GRCh37 (hg19) VCF-style: chr2-73679474-C-CT.
Other names: c.5824dup, p.Tyr1942fs (NM_015120.4); short protein forms Y1941fs, Y1942fs.
Identifiers: ClinVar variation 1380569 (VCV001380569.6), dbSNP rs2103787808, ClinGen allele CA2573135748.

ClinVar aggregate classification (germline): Pathogenic (1 of 4 stars; one submission).

Conditions:
Alstrom syndrome (ALMS). Identifiers: Orphanet 64, MedGen C0268425, MONDO:0008763, OMIM 203800.

Submission:

Labcorp Genetics (formerly Invitae), Labcorp
Classification: Pathogenic for Alstrom syndrome. Last evaluated: 2021-11-26. Review status: criteria provided, single submitter. Criteria: Invitae Variant Classification Sherloc (09022015). Collection method: clinical testing. Allele origin: germline.
Comment: For these reasons, this variant has been classified as Pathogenic. This variant has not been reported in the literature in individuals affected with ALMS1-related conditions. This variant is not present in population databases (gnomAD no frequency). This sequence change creates a premature translational stop signal (p.Tyr1942Leufs*4) in the ALMS1 gene. It is expected to result in an absent or disrupted protein product. Loss-of-function variants in ALMS1 are known to be pathogenic (PMID: 17594715).

Literature cited by the submitters: PubMed 17594715.